The following is an entry in ClinVar:

ClinVar aggregate classification (germline): Pathogenic. Review status: criteria provided, multiple submitters, no conflicts (2 of 4 stars). 4 submissions from 4 submitters: Pathogenic (4). Last evaluated 2025-08-15.

Conditions:
Hereditary cancer-predisposing syndrome. Also called: Hereditary Cancer Syndrome; Hereditary neoplastic syndrome; Neoplastic Syndromes, Hereditary; Tumor predisposition. Identifiers: Orphanet 140162, MedGen C0027672, MeSH D009386, MONDO:0015356.
Familial adenomatous polyposis 2. Also called: COLORECTAL ADENOMATOUS POLYPOSIS, AUTOSOMAL RECESSIVE; ADENOMAS, MULTIPLE COLORECTAL, AUTOSOMAL RECESSIVE; MUTYH-associated polyposis; MUTYH Polyposis; Adenomas, multiple colorectal; MYH-associated polyposis. Identifiers: Orphanet 220460, Orphanet 247798, MedGen C3272841, MONDO:0012041, OMIM 608456.

Allele frequency attached by ClinVar (database versions not stated): TOPMed 0.00001.

Submissions (4):

Ambry Genetics
Classification: Pathogenic for Hereditary cancer-predisposing syndrome. Last evaluated: 2025-08-15. Review status: criteria provided, single submitter. Criteria: Ambry Variant Classification Scheme 2023. Collection method: clinical testing. Allele origin: germline.
Comment: The p.Q316* pathogenic mutation (also known as c.946C>T), located in coding exon 11 of the MUTYH gene, results from a C to T substitution at nucleotide position 946. This changes the amino acid from a glutamine to a stop codon within coding exon 11. This variant is considered to be rare based on population cohorts in the Genome Aggregation Database (gnomAD). This alteration is expected to result in loss of function by premature protein truncation or nonsense-mediated mRNA decay. As such, this alteration is interpreted as a disease-causing mutation.

Labcorp Genetics (formerly Invitae), Labcorp
Classification: Pathogenic for Familial adenomatous polyposis 2. Last evaluated: 2025-05-09. Review status: criteria provided, single submitter. Criteria: Invitae Variant Classification Sherloc (09022015). Collection method: clinical testing. Allele origin: germline.
Comment: This sequence change creates a premature translational stop signal (p.Gln316*) in the MUTYH gene. It is expected to result in an absent or disrupted protein product. Loss-of-function variants in MUTYH are known to be pathogenic (PMID: 18534194, 20663686). This variant is not present in population databases (gnomAD no frequency). This variant has not been reported in the literature in individuals affected with MUTYH-related conditions. ClinVar contains an entry for this variant (Variation ID: 2673801). RNA analysis performed to evaluate the impact of this premature translational stop signal on mRNA splicing indicates it does not significantly alter splicing (internal data). For these reasons, this variant has been classified as Pathogenic.

Color Diagnostics, LLC DBA Color Health
Classification: Pathogenic for Hereditary cancer-predisposing syndrome. Last evaluated: 2025-02-25. Review status: criteria provided, single submitter. Criteria: ACMG Guidelines, 2015. Collection method: clinical testing. Allele origin: germline.
Comment: This variant changes 1 nucleotide in exon 11/16 of the MUTYH gene, creating a premature translation stop signal. This variant is expected to result in an absent or non-functional protein product. This variant has been reported in an individual affected with breast cancer (PMID: 30982232). This variant has not been identified in the general population by the Genome Aggregation Database (gnomAD). Loss of MUTYH function is a known mechanism of disease. Based on the available evidence, this variant is classified as Pathogenic.

Myriad Genetics, Inc.
Classification: Pathogenic for Familial adenomatous polyposis 2. Last evaluated: 2023-07-25. Review status: criteria provided, single submitter. Criteria: Myriad Autosomal Dominant, Autosomal Recessive and X-Linked Classification Criteria (2023). Collection method: clinical testing. Allele origin: unknown.
Comment: This variant is considered pathogenic. This variant creates a termination codon and is predicted to result in premature protein truncation.

Literature cited by the submitters: PubMed 18534194 (cited by Labcorp Genetics (formerly Invitae), Labcorp); PubMed 20663686 (cited by Labcorp Genetics (formerly Invitae), Labcorp); PubMed 30982232 (cited by Color Diagnostics, LLC DBA Color Health).

NM_001048174.2(MUTYH):c.862C>T (p.Gln288Ter)

Gene: MUTYH (mutY DNA glycosylase; minus strand). Cytogenetic location: 1p34.1.
Variant type: single nucleotide variant.
Coding change: c.862C>T on transcript NM_001048174.2 (MANE Select); coding-DNA position 862, C replaced by T.
Protein change: p.Gln288Ter; replaces glutamine 288 with a stop codon.
Molecular consequence: nonsense. On other transcripts: non-coding transcript variant (7).
Genome position (GRCh38, 1-based): chr1:45,332,074, G>A on the plus strand (C>T on the coding strand, the complement: MUTYH is on the minus strand). VCF-style: chr1-45332074-G-A. GRCh37 (hg19) VCF-style: chr1-45797746-G-A.
Other names: c.862C>T, p.Gln288Ter (NM_001048171.2, NM_001048173.2, NM_001293195.2 and 6 more transcripts); c.865C>T, p.Gln289Ter (NM_001048172.2, NM_001407071.1, NM_001407078.1 and 1 more transcripts); c.946C>T, p.Gln316Ter (NM_001128425.2); c.907C>T, p.Gln303Ter (NM_001293190.2); c.895C>T, p.Gln299Ter (NM_001293191.2, NM_001407069.1, NM_001407077.1); c.586C>T, p.Gln196Ter (NM_001293192.2, NM_001293196.2, NM_001407091.1); c.517C>T, p.Gln173Ter (NM_001350650.2, NM_001350651.2, NM_001407082.1); c.778C>T, p.Gln260Ter (NM_001407075.1); and 5 more; short protein forms Q173*, Q196*, Q260*, Q274*, Q275*, Q288*, Q289*, Q295*.
Identifiers: ClinVar variation 2673801 (VCV002673801.6), dbSNP rs1423565685, ClinGen allele CA340134197.